The following is an entry in ClinVar:

ClinVar aggregate classification (germline): Uncertain significance (1 of 4 stars; one submission).

gnomAD v4.1: 4 of 1,614,102 alleles (0.00025%); highest among the groups gnomAD compares: South Asian, 0.0044%; no homozygotes.

Submission:

Ambry Genetics
Classification: Uncertain significance. Last evaluated: 2025-09-04. Review status: criteria provided, single submitter. Criteria: Ambry Variant Classification Scheme 2023. Collection method: clinical testing. Allele origin: germline.
Comment: The p.K286R variant (also known as c.857A>G), located in coding exon 1 of the EGLN1 gene, results from an A to G substitution at nucleotide position 857. The lysine at codon 286 is replaced by arginine, an amino acid with highly similar properties. This amino acid position is conserved. In addition, this alteration is predicted to be tolerated by in silico analysis. Based on the available evidence, the clinical significance of this variant remains unclear.

NM_022051.3(EGLN1):c.857A>G (p.Lys286Arg)

Genes: EGLN1 (egl-9 family hypoxia inducible factor 1; minus strand), LOC129932769 (ATAC-STARR-seq lymphoblastoid active region 2730; plus strand). Cytogenetic location: 1q42.2.
Variant type: single nucleotide variant.
Coding change: c.857A>G on transcript NM_022051.3 (MANE Select); coding-DNA position 857, A replaced by G.
Protein change: p.Lys286Arg; replaces lysine 286 with arginine.
Molecular consequence: missense variant.
Genome position (GRCh38, 1-based): chr1:231,421,032, T>C on the plus strand (A>G on the coding strand, the complement: EGLN1 is on the minus strand). VCF-style: chr1-231421032-T-C. GRCh37 (hg19) VCF-style: chr1-231556778-T-C.
Other names: c.857A>G, p.Lys286Arg (NM_001377260.1, NM_001377261.1); short protein forms K286R.
Identifiers: ClinVar variation 4247378 (VCV004247378.1).